The following is an entry in ClinVar:

NM_001244710.2(GFPT1):c.8-257C>T

Gene: GFPT1 (glutamine--fructose-6-phosphate transaminase 1; minus strand). Cytogenetic location: 2p13.3.
Variant type: single nucleotide variant.
Coding change: c.8-257C>T on transcript NM_001244710.2 (MANE Select); 257 bases into the intron before coding-DNA position 8, C replaced by T.
Molecular consequence: intron variant.
Genome position (GRCh38, 1-based): chr2:69,374,370, G>A on the plus strand (C>T on the coding strand, the complement: GFPT1 is on the minus strand). VCF-style: chr2-69374370-G-A. GRCh37 (hg19) VCF-style: chr2-69601502-G-A.
Other names: c.8-257C>T (NM_002056.4).
Identifiers: ClinVar variation 672059 (VCV000672059.1), dbSNP rs10203394, ClinGen allele CA11117570.

ClinVar aggregate classification (germline): Benign (1 of 4 stars; one submission).

Allele frequency attached by ClinVar (database versions not stated): 1000 Genomes Project 0.32268; 1000 Genomes Project 30x 0.32651; TOPMed 0.37910; gnomAD 0.38220 and 0.38544.
gnomAD v4.1: 57,714 of 150,598 alleles (38%); highest among the groups gnomAD compares: Middle Eastern, 44%; 11,349 homozygotes.

Submission:

GeneDx
Classification: Benign. Last evaluated: 2018-06-19. Review status: criteria provided, single submitter. Criteria: GeneDx Variant Classification (06012015). Collection method: clinical testing. Allele origin: germline. Affected: yes.
Comment: This variant is considered likely benign or benign based on one or more of the following criteria: it is a conservative change, it occurs at a poorly conserved position in the protein, it is predicted to be benign by multiple in silico algorithms, and/or has population frequency not consistent with disease.